The following is an entry in ClinVar:

ClinVar aggregate classification (germline): Uncertain significance (1 of 4 stars; one submission).

Conditions:
Hereditary cancer-predisposing syndrome. Also called: Neoplastic Syndromes, Hereditary; Tumor predisposition; Hereditary Cancer Syndrome; Hereditary neoplastic syndrome. Identifiers: Orphanet 140162, MedGen C0027672, MeSH D009386, MONDO:0015356.

Allele frequency attached by ClinVar (database versions not stated): gnomAD exomes below 0.00001.
gnomAD v4.1: 1 of 1,614,158 alleles (0.000062%); highest among the groups gnomAD compares: Non-Finnish European, 0.000085%; no homozygotes.

Submission:

Ambry Genetics
Classification: Uncertain significance for Hereditary cancer-predisposing syndrome. Last evaluated: 2021-08-19. Review status: criteria provided, single submitter. Criteria: Ambry Variant Classification Scheme 2023. Collection method: clinical testing. Allele origin: germline.
Comment: The p.S351G variant (also known as c.1051A>G), located in coding exon 9 of the SUFU gene, results from an A to G substitution at nucleotide position 1051. The serine at codon 351 is replaced by glycine, an amino acid with similar properties. This amino acid position is well conserved in available vertebrate species. In addition, this alteration is predicted to be tolerated by in silico analysis. Since supporting evidence is limited at this time, the clinical significance of this alteration remains unclear.

NM_016169.4(SUFU):c.1051A>G (p.Ser351Gly)

Gene: SUFU (SUFU negative regulator of hedgehog signaling; plus strand). Cytogenetic location: 10q24.32.
Variant type: single nucleotide variant.
Coding change: c.1051A>G on transcript NM_016169.4 (MANE Select); coding-DNA position 1051, A replaced by G.
Protein change: p.Ser351Gly; replaces serine 351 with glycine.
Molecular consequence: missense variant.
Genome position (GRCh38, 1-based): chr10:102,615,296, A>G. VCF-style: chr10-102615296-A-G. GRCh37 (hg19) VCF-style: chr10-104375053-A-G.
Other names: c.1051A>G, p.Ser351Gly (NM_001178133.2); short protein forms S351G.
Identifiers: ClinVar variation 1777237 (VCV001777237.2), dbSNP rs2492778607, ClinGen allele CA377913788.